The following is an entry in ClinVar:

ClinVar aggregate classification (germline): Uncertain significance. Review status: criteria provided, single submitter (1 of 4 stars). 2 submissions from 2 submitters: Uncertain significance (1). 1 of the submissions does not count toward it. Last evaluated 2021-08-27.

Conditions:
Autosomal recessive polycystic kidney disease (ARPKD). Also called: AR polycystic kidney disease. Identifiers: Orphanet 731, Orphanet 8378, MedGen C0085548, MeSH D017044, MONDO:0009889.

Submissions (2):

Labcorp Genetics (formerly Invitae), Labcorp
Classification: Uncertain significance for Autosomal recessive polycystic kidney disease. Last evaluated: 2021-08-27. Review status: criteria provided, single submitter. Criteria: Invitae Variant Classification Sherloc (09022015). Collection method: clinical testing. Allele origin: germline.
Comment: This sequence change replaces cysteine with tyrosine at codon 2965 of the PKHD1 protein (p.Cys2965Tyr). The cysteine residue is highly conserved and there is a large physicochemical difference between cysteine and tyrosine. This variant is not present in population databases (ExAC no frequency). This missense change has been observed in individual(s) with polycystic kidney disease (Invitae). Algorithms developed to predict the effect of missense changes on protein structure and function are either unavailable or do not agree on the potential impact of this missense change (SIFT: "Deleterious"; PolyPhen-2: "Probably Damaging"; Align-GVGD: "Class C0"). This variant disrupts the p.Cys2965 amino acid residue in PKHD1. Other variant(s) that disrupt this residue have been observed in individuals with PKHD1-related conditions (PMID: 16133180), which suggests that this may be a clinically significant amino acid residue. In summary, the available evidence is currently insufficient to determine the role of this variant in disease. Therefore, it has been classified as a Variant of Uncertain Significance.

Natera, Inc.
Classification: Uncertain significance for Autosomal recessive polycystic kidney disease. Last evaluated: 2019-10-16. Review status: no assertion criteria provided. Collection method: clinical testing. Allele origin: germline. Not counted in ClinVar's aggregate classification.

Literature cited by the submitters: PubMed 16133180 (cited by Labcorp Genetics (formerly Invitae), Labcorp).

NM_138694.4(PKHD1):c.8894G>A (p.Cys2965Tyr)

Gene: PKHD1 (PKHD1 ciliary IPT domain containing fibrocystin/polyductin; minus strand). Cytogenetic location: 6p12.3.
Variant type: single nucleotide variant.
Coding change: c.8894G>A on transcript NM_138694.4 (MANE Select); coding-DNA position 8894, G replaced by A.
Protein change: p.Cys2965Tyr; replaces cysteine 2965 with tyrosine.
Molecular consequence: missense variant.
Genome position (GRCh38, 1-based): chr6:51,753,257, C>T on the plus strand (G>A on the coding strand, the complement: PKHD1 is on the minus strand). VCF-style: chr6-51753257-C-T. GRCh37 (hg19) VCF-style: chr6-51618055-C-T.
Other names: c.8894G>A, p.Cys2965Tyr (NM_170724.3); short protein forms C2965Y.
Identifiers: ClinVar variation 942354 (VCV000942354.12), dbSNP rs1786406368, ClinGen allele CA364426821.
Genomic context (GRCh38, chr6:51,753,257, plus strand): 5'-TTACCTGAAAATTCTTCTCGGCTGGACTTCCTGAAGGACCCCACAAACAGTCTCCCCCTA[C>T]ATGATACGTCAGGCTGAATTTGTATATTTCGGGTCAACAGTCCAACCTCAGCAGCCAAAC-3'
Protein context (NP_619639.3, residues 2955-2975): RNIQIQPDVS[Cys2965Tyr]RGRLFVGSFR